The following is an entry in ClinVar:

ClinVar aggregate classification (germline): Likely pathogenic (1 of 4 stars; one submission).

Conditions:
Arthrogryposis multiplex congenita 6. Identifiers: MedGen C5543431, MONDO:0030281, OMIM 619334.
Nemaline myopathy 2 (NEM2). Also called: Nemaline myopathy 2, autosomal recessive. Identifiers: MedGen C1850569, MONDO:0009725, OMIM 256030.

Submission:

Juno Genomics, Hangzhou Juno Genomics, Inc
Classification: Likely pathogenic for Arthrogryposis multiplex congenita 6; Nemaline myopathy 2. Review status: criteria provided, single submitter. Criteria: ACMG Guidelines, 2015. Collection method: clinical testing. Allele origin: germline.
Comment: Null variant in a gene where loss of function (LOF) is a known mechanism of disease.;Absent from controls (or at extremely low frequency if recessive) in Genome Aggregation Database.

NM_001164508.2(NEB):c.19863dup (p.Ser6622fs)

Gene: NEB (nebulin; minus strand). Cytogenetic location: 2q23.3.
Variant type: Duplication.
Coding change: c.19863dup on transcript NM_001164508.2 (MANE Select); coding-DNA position 19863, one base duplicated (C; older notation c.19863dupC).
Protein change: p.Ser6622fs; shifts the reading frame from serine 6622.
Molecular consequence: frameshift variant.
Genome position (GRCh38, 1-based): chr2:151,551,819, G duplicated on the plus strand (C on the coding strand, the reverse complement: NEB is on the minus strand). VCF-style (leftmost placement, unchanged base first): chr2-151551818-T-TG. GRCh37 (hg19) VCF-style: chr2-152408332-T-TG.
Other names: c.19863dup, p.Ser6622fs (NM_001164507.2, NM_001271208.2); c.14760dup, p.Ser4921fs (NM_004543.5); short protein forms S4921fs, S6622fs.
Identifiers: ClinVar variation 5006084 (VCV005006084.2).